The following is an entry in ClinVar:

NM_015057.5(MYCBP2):c.13216T>C (p.Cys4406Arg)

Gene: MYCBP2 (MYC binding protein 2; minus strand). Cytogenetic location: 13q22.3.
Variant type: single nucleotide variant.
Coding change: c.13216T>C on transcript NM_015057.5 (MANE Select); coding-DNA position 13216, T replaced by C.
Protein change: p.Cys4406Arg; replaces cysteine 4406 with arginine.
Molecular consequence: missense variant.
Genome position (GRCh38, 1-based): chr13:77,058,331, A>G on the plus strand (T>C on the coding strand, the complement: MYCBP2 is on the minus strand). VCF-style: chr13-77058331-A-G. GRCh37 (hg19) VCF-style: chr13-77632466-A-G.
Other names: short protein forms C4406R.
Identifiers: ClinVar variation 4072468 (VCV004072468.1).

ClinVar aggregate classification (germline): Uncertain significance (1 of 4 stars; one submission).

Submission:

GeneDx
Classification: Uncertain significance. Last evaluated: 2025-01-30. Review status: criteria provided, single submitter. Criteria: GeneDx Variant Classification Process June 2021. Collection method: clinical testing. Allele origin: germline. Affected: yes.
Comment: Not observed at significant frequency in large population cohorts (gnomAD); In silico analysis supports that this missense variant has a deleterious effect on protein structure/function; Has not been previously published as pathogenic or benign to our knowledge; This variant is associated with the following publications: (PMID: 27535533)